The following is an entry in ClinVar:

ClinVar aggregate classification (germline): Uncertain significance. Review status: criteria provided, multiple submitters, no conflicts (2 of 4 stars). 2 submissions from 2 submitters: Uncertain significance (2). Last evaluated 2023-10-22.

Conditions:
Autosomal recessive ataxia, Beauce type. Also called: Spinocerebellar ataxia, autosomal recessive 8; ATAXIA, RECESSIVE, OF BEAUCE; SYNE1-Related Autosomal Recessive Cerebellar Ataxia; SYNE1 Deficiency. Identifiers: Orphanet 88644, MedGen C1853116, MONDO:0012549, OMIM 610743.
Emery-Dreifuss muscular dystrophy 4, autosomal dominant (EDMD4). Also called: EMERY-DREIFUSS MUSCULAR DYSTROPHY 4 WITH VARIABLE FEATURES. Identifiers: Orphanet 261, MedGen C2751807, MONDO:0013071, OMIM 612998.

Allele frequency attached by ClinVar (database versions not stated): gnomAD exomes below 0.00001 and 0.00002; gnomAD 0.00001; TOPMed 0.00002; ExAC 0.00003; ESP Exome Variant Server 0.00008.
gnomAD v4.1: 9 of 1,613,846 alleles (0.00056%); highest among the groups gnomAD compares: East Asian, 0.0022%; no homozygotes.

Submissions (2):

Labcorp Genetics (formerly Invitae), Labcorp
Classification: Uncertain significance for Emery-Dreifuss muscular dystrophy 4, autosomal dominant; Autosomal recessive ataxia, Beauce type. Last evaluated: 2023-10-22. Review status: criteria provided, single submitter. Criteria: Invitae Variant Classification Sherloc (09022015). Collection method: clinical testing. Allele origin: germline.
Comment: This sequence change replaces serine, which is neutral and polar, with leucine, which is neutral and non-polar, at codon 4032 of the SYNE1 protein (p.Ser4032Leu). This variant is present in population databases (rs376766873, gnomAD 0.007%). This variant has not been reported in the literature in individuals affected with SYNE1-related conditions. ClinVar contains an entry for this variant (Variation ID: 284564). An algorithm developed to predict the effect of missense changes on protein structure and function (PolyPhen-2) suggests that this variant is likely to be tolerated. In summary, the available evidence is currently insufficient to determine the role of this variant in disease. Therefore, it has been classified as a Variant of Uncertain Significance.

Eurofins Ntd Llc (ga)
Classification: Uncertain significance. Last evaluated: 2015-12-04. Review status: criteria provided, single submitter. Criteria: EGL Classification Definitions 2015. Collection method: clinical testing. Allele origin: germline. Observed: 1 variant allele, 1 heterozygote.

NM_182961.4(SYNE1):c.12308C>T (p.Ser4103Leu)

Gene: SYNE1 (spectrin repeat containing nuclear envelope protein 1; minus strand). Cytogenetic location: 6q25.2.
Variant type: single nucleotide variant.
Coding change: c.12308C>T on transcript NM_182961.4 (MANE Select); coding-DNA position 12308, C replaced by T.
Protein change: p.Ser4103Leu; replaces serine 4103 with leucine.
Molecular consequence: missense variant.
Genome position (GRCh38, 1-based): chr6:152,339,284, G>A on the plus strand (C>T on the coding strand, the complement: SYNE1 is on the minus strand). VCF-style: chr6-152339284-G-A. GRCh37 (hg19) VCF-style: chr6-152660419-G-A.
Other names: c.12095C>T, p.Ser4032Leu (NM_033071.5); short protein forms S4032L, S4103L.
Identifiers: ClinVar variation 284564 (VCV000284564.10), dbSNP rs376766873, ClinGen allele CA4056447.